The following is an entry in ClinVar:

ClinVar aggregate classification (germline): Conflicting classifications of pathogenicity. Review status: criteria provided, conflicting classifications (1 of 4 stars). 6 submissions from 6 submitters: Uncertain significance (5); Likely benign (1). Last evaluated 2026-01-22.

Conditions:
Hereditary cancer-predisposing syndrome. Also called: Hereditary Cancer Syndrome; Hereditary neoplastic syndrome; Neoplastic Syndromes, Hereditary; Tumor predisposition. Identifiers: Orphanet 140162, MedGen C0027672, MeSH D009386, MONDO:0015356.
Intellectual disability, autosomal dominant 16 (CSS4). Also called: COFFIN-SIRIS SYNDROME 4. Identifiers: Orphanet 1465, MedGen C3553249, MONDO:0013821, OMIM 614609.
Rhabdoid tumor predisposition syndrome 2 (RTPS2). Identifiers: Orphanet 231108, Orphanet 69077, MedGen C2750074, MONDO:0013224, OMIM 613325.

Allele frequency attached by ClinVar (database versions not stated): gnomAD exomes 0.00001 and 0.00002; ExAC 0.00002; gnomAD 0.00004; TOPMed 0.00005.
gnomAD v4.1: 9 of 1,613,872 alleles (0.00056%); highest among the groups gnomAD compares: African/African-American, 0.011%; no homozygotes.

Submissions (6):

Labcorp Genetics (formerly Invitae), Labcorp
Classification: Uncertain significance for Rhabdoid tumor predisposition syndrome 2. Last evaluated: 2026-01-22. Review status: criteria provided, single submitter. Criteria: Invitae Variant Classification Sherloc (09022015). Collection method: clinical testing. Allele origin: germline.
Comment: This sequence change replaces glycine, which is neutral and non-polar, with serine, which is neutral and polar, at codon 83 of the SMARCA4 protein (p.Gly83Ser). This variant is present in population databases (rs766474711, gnomAD 0.02%). This variant has not been reported in the literature in individuals affected with SMARCA4-related conditions. ClinVar contains an entry for this variant (Variation ID: 408672). Invitae Evidence Modeling of protein sequence and biophysical properties (such as structural, functional, and spatial information, amino acid conservation, physicochemical variation, residue mobility, and thermodynamic stability) indicates that this missense variant is not expected to disrupt SMARCA4 protein function with a negative predictive value of 95%. In summary, the available evidence is currently insufficient to determine the role of this variant in disease. Therefore, it has been classified as a Variant of Uncertain Significance.

GeneDx
Classification: Uncertain significance. Last evaluated: 2024-09-03. Review status: criteria provided, single submitter. Criteria: GeneDx Variant Classification Process June 2021. Collection method: clinical testing. Allele origin: germline. Affected: yes.
Comment: In silico analysis supports that this missense variant has a deleterious effect on protein structure/function; Has not been previously published as pathogenic or benign to our knowledge

Baylor Genetics
Classification: Uncertain significance for Rhabdoid tumor predisposition syndrome 2. Last evaluated: 2023-10-08. Review status: criteria provided, single submitter. Criteria: ACMG Guidelines, 2015. Collection method: clinical testing. Allele origin: unknown.

Ambry Genetics
Classification: Likely benign for Hereditary cancer-predisposing syndrome. Last evaluated: 2021-11-04. Review status: criteria provided, single submitter. Criteria: Ambry Variant Classification Scheme 2023. Collection method: clinical testing. Allele origin: germline.

Genome-Nilou Lab
Classification: Uncertain significance for Intellectual disability, autosomal dominant 16. Last evaluated: 2021-07-15. Review status: criteria provided, single submitter. Criteria: ACMG Guidelines, 2015. Collection method: clinical testing. Allele origin: germline. Affected: no.

Sema4
Classification: Uncertain significance for Hereditary cancer-predisposing syndrome. Last evaluated: 2021-06-19. Review status: criteria provided, single submitter. Criteria: Sema4 Curation Guidelines. Collection method: curation. Allele origin: germline.
Comment: The SMARCA4 c.247G>A (p.G83S) variant has not been reported in the literature to our knowledge. It was observed in 5/24942 chromosomes African/African American subpopulation in the large and broad cohorts of the Genome Aggregation Database (PMID: 32461654). The variant has been reported in ClinVar (Variation ID: 408672). In silico tools suggest the impact of the variant on protein function is inconclusive, though these predictions have not been confirmed by functional studies. The evidence is insufficient to meet ACMG/AMP criteria for classifying the variant as benign or pathogenic. Thus, the clinical significance of this variant is currently uncertain.

Literature cited by the submitters: PubMed 24658004 (cited by Ambry Genetics); PubMed 25168959 (cited by Ambry Genetics); PubMed 28518168 (cited by Ambry Genetics); PubMed 32461654 (cited by Ambry Genetics).

NM_003072.5(SMARCA4):c.247G>A (p.Gly83Ser)

Gene: SMARCA4 (SWI/SNF related BAF chromatin remodeling complex subunit ATPase 4; plus strand). Cytogenetic location: 19p13.2.
Variant type: single nucleotide variant.
Coding change: c.247G>A on transcript NM_003072.5 (MANE Select); coding-DNA position 247, G replaced by A.
Protein change: p.Gly83Ser; replaces glycine 83 with serine.
Molecular consequence: missense variant. On other transcripts: non-coding transcript variant (1).
Genome position (GRCh38, 1-based): chr19:10,985,297, G>A. VCF-style: chr19-10985297-G-A. GRCh37 (hg19) VCF-style: chr19-11095973-G-A.
Other names: c.247G>A, p.Gly83Ser (NM_001128844.3, NM_001128845.2, NM_001128846.2 and 5 more transcripts); short protein forms G83S.
Identifiers: ClinVar variation 408672 (VCV000408672.18), dbSNP rs766474711, ClinGen allele CA9203443.